The following is an entry in ClinVar:

ClinVar aggregate classification (germline): Benign/Likely benign. Review status: criteria provided, single submitter (1 of 4 stars). 2 submissions from 1 submitter: Benign (1); Likely benign (1). Last evaluated 2018-01-12.

Conditions:
Migraine, familial hemiplegic, 2. Identifiers: Orphanet 569, MedGen C1865322, MONDO:0011232, OMIM 602481.
Alternating hemiplegia of childhood 1 (AHC1). Identifiers: Orphanet 2131, MedGen C3549447, MONDO:0007087, OMIM 104290.

Allele frequency attached by ClinVar (database versions not stated): TOPMed 0.00001; 1000 Genomes Project 30x 0.00094; 1000 Genomes Project 0.00120.

Submissions (2):

Illumina Laboratory Services, Illumina
Classification: Benign for Alternating hemiplegia of childhood 1. Last evaluated: 2018-01-12. Review status: criteria provided, single submitter. Criteria: ICSL Variant Classification Criteria 13 December 2019. Collection method: clinical testing. Allele origin: germline.
Comment: This variant was observed in the ICSL laboratory as part of a predisposition screen in an ostensibly healthy population. It had not been previously curated by ICSL or reported in the Human Gene Mutation Database (HGMD: prior to June 1st, 2018), and was therefore a candidate for classification through an automated scoring system. Utilizing variant allele frequency, disease prevalence and penetrance estimates, and inheritance mode, an automated score was calculated to assess if this variant is too frequent to cause the disease. Based on the score and internal cut-off values, a variant classified as benign is not then subjected to further curation. The score for this variant resulted in a classification of benign for this disease.

Illumina Laboratory Services, Illumina
Classification: Likely benign for Migraine, familial hemiplegic, 2. Last evaluated: 2018-01-12. Review status: criteria provided, single submitter. Criteria: ICSL Variant Classification Criteria 13 December 2019. Collection method: clinical testing. Allele origin: germline.
Comment: This variant was observed in the ICSL laboratory as part of a predisposition screen in an ostensibly healthy population. It had not been previously curated by ICSL or reported in the Human Gene Mutation Database (HGMD: prior to June 1st, 2018), and was therefore a candidate for classification through an automated scoring system. Utilizing variant allele frequency, disease prevalence and penetrance estimates, and inheritance mode, an automated score was calculated to assess if this variant is too frequent to cause the disease. Based on the score and internal cut-off values, a variant classified as likely benign is not then subjected to further curation. The score for this variant resulted in a classification of likely benign for this disease.

NM_000702.4(ATP1A2):c.*1000T>A

Gene: ATP1A2 (ATPase Na+/K+ transporting subunit alpha 2; plus strand). Cytogenetic location: 1q23.2.
Variant type: single nucleotide variant.
Coding change: c.*1000T>A on transcript NM_000702.4 (MANE Select); 1000 bases downstream of the stop codon, T replaced by A.
Molecular consequence: 3 prime UTR variant.
Genome position (GRCh38, 1-based): chr1:160,142,322, T>A. VCF-style: chr1-160142322-T-A. GRCh37 (hg19) VCF-style: chr1-160112112-T-A.
Identifiers: ClinVar variation 293158 (VCV000293158.5), dbSNP rs116194737, ClinGen allele CA10607940.